The following is an entry in ClinVar:

NM_000075.4(CDK4):c.833_834del (p.Thr277_Phe278insTer)

Genes: CDK4 (cyclin dependent kinase 4; minus strand), TSPAN31 (tetraspanin 31; plus strand). Cytogenetic location: 12q14.1.
Variant type: Deletion.
Coding change: c.833_834del on transcript NM_000075.4 (MANE Select); coding-DNA positions 833 to 834, 2 bases deleted (TT; older notation c.833_834delTT).
Protein change: p.Thr277_Phe278insTer.
Molecular consequence: nonsense. On other transcripts: frameshift variant (1), 3 prime UTR variant (3).
Genome position (GRCh38, 1-based): chr12:57,748,603-57,748,604, AA deleted on the plus strand (TT on the coding strand, the reverse complement: CDK4 is on the minus strand); deleting any 2 consecutive bases within chr12:57,748,603-57,748,606 gives the same sequence; the c. name uses the placement nearest the transcript's 3' end. VCF-style (leftmost placement, unchanged base first): chr12-57748602-TAA-T. GRCh37 (hg19) VCF-style: chr12-58142385-TAA-T.
Other names: c.831_832delTT, p.Phe278Terfs (NM_000075.2); c.*1315_*1316del (NM_001330168.2, NM_001330169.2, NM_005981.5).
Identifiers: ClinVar variation 2579887 (VCV002579887.1), dbSNP rs1955188005, ClinGen allele CA2580617844.

ClinVar aggregate classification (germline): Uncertain significance (1 of 4 stars; one submission).

Submission:

GeneDx
Classification: Uncertain significance. Last evaluated: 2023-03-16. Review status: criteria provided, single submitter. Criteria: GeneDx Variant Classification Process June 2021. Collection method: clinical testing. Allele origin: germline. Affected: yes.
Comment: Not observed at significant frequency in large population cohorts (gnomAD); Has not been previously published as pathogenic or benign to our knowledge